The following is an entry in ClinVar:

NM_002769.5(PRSS1):c.311T>C (p.Leu104Pro)

Genes: PRSS1 (serine protease 1; plus strand), TRB (T cell receptor beta locus; plus strand). Cytogenetic location: 7q34.
Variant type: single nucleotide variant.
Coding change: c.311T>C on transcript NM_002769.5 (MANE Select); coding-DNA position 311, T replaced by C.
Protein change: p.Leu104Pro; replaces leucine 104 with proline.
Molecular consequence: missense variant.
Genome position (GRCh38, 1-based): chr7:142,751,884, T>C. VCF-style: chr7-142751884-T-C. GRCh37 (hg19) VCF-style: chr7-142459735-T-C.
Other names: short protein forms L104P.
Identifiers: ClinVar variation 440201 (VCV000440201.10), dbSNP rs1554499091, ClinGen allele CA369608770.

ClinVar aggregate classification (germline): Conflicting classifications of pathogenicity. Review status: criteria provided, conflicting classifications (1 of 4 stars). 3 submissions from 3 submitters: Likely pathogenic (2); Uncertain significance (1). Last evaluated 2024-08-16.

Conditions:
PRSS1-related disorder. Also called: PRSS1-related condition.
Hereditary pancreatitis (PCTT). Also called: Hereditary chronic pancreatitis; PRSS1-Related Hereditary Pancreatitis. Identifiers: Orphanet 676, MedGen C0238339, MONDO:0008185, OMIM 167800.

Allele frequency attached by ClinVar (database versions not stated): gnomAD exomes below 0.00001.
gnomAD v4.1: 1 of 1,614,092 alleles (0.000062%); highest among the groups gnomAD compares: Non-Finnish European, 0.000085%; no homozygotes.

Submissions (3):

Blueprint Genetics
Classification: Likely pathogenic for PRSS1-related disorders. Last evaluated: 2024-08-16. Review status: criteria provided, single submitter. Criteria: ACMG Guidelines, 2015. Collection method: clinical testing. Allele origin: germline. Affected: yes. Observed: 3 variant alleles.

ARUP Laboratories, Molecular Genetics and Genomics, ARUP Laboratories
Classification: Likely pathogenic. Last evaluated: 2017-01-29. Review status: criteria provided, single submitter. Criteria: ARUP Molecular Germline Variant Investigation Process. Collection method: clinical testing. Allele origin: germline.

Ambry Genetics
Classification: Uncertain significance for Hereditary pancreatitis. Last evaluated: 2015-07-14. Review status: criteria provided, single submitter. Criteria: Ambry Variant Classification Scheme 2023. Collection method: clinical testing. Allele origin: germline.
Comment: Elaine has saved RD.

Literature cited by the submitters: PubMed 11866271 (cited by Ambry Genetics).